The following is an entry in ClinVar:

NM_033656.4(BRWD1):c.4616C>G (p.Ser1539Cys)

Gene: BRWD1 (bromodomain and WD repeat domain containing 1; minus strand). Cytogenetic location: 21q22.2.
Variant type: single nucleotide variant.
Coding change: c.4616C>G on transcript NM_033656.4 (MANE Select); coding-DNA position 4616, C replaced by G.
Protein change: p.Ser1539Cys; replaces serine 1539 with cysteine.
Molecular consequence: missense variant.
Genome position (GRCh38, 1-based): chr21:39,200,356, G>C on the plus strand (C>G on the coding strand, the complement: BRWD1 is on the minus strand). VCF-style: chr21-39200356-G-C. GRCh37 (hg19) VCF-style: chr21-40572282-G-C.
Other names: c.4616C>G, p.Ser1539Cys (NM_018963.5); short protein forms S1539C.
Identifiers: ClinVar variation 3040509 (VCV003040509.3), dbSNP rs139797089, ClinGen allele CA10026642.
Genomic context (GRCh38, chr21:39,200,356, plus strand): 5'-TCACGAGCTCTGGAACTCTCTTTGCTTTCCTCAGAACTACTGGAAGCTGACGATGACAAA[G>C]AGGTAGCTAAAGAATCTTCCACTTCACTTTCTAGGAAAAATAAAGTGTAAATAGTTACAT-3'
Protein context (NP_387505.1, residues 1529-1549): ESEVEDSLAT[Ser1539Cys]LSSSASSSSE

ClinVar aggregate classification (germline): Uncertain significance. Review status: criteria provided, single submitter (1 of 4 stars). 2 submissions from 2 submitters: Uncertain significance (1). 1 of the submissions does not count toward it. Last evaluated 2025-11-20.

Conditions:
BRWD1-related disorder. Also called: BRWD1-related condition.

Allele frequency attached by ClinVar (database versions not stated): TOPMed 0.00138; ExAC 0.00040; gnomAD 0.00133; ESP Exome Variant Server 0.00185; 1000 Genomes Project 0.00120; 1000 Genomes Project 30x 0.00125.
gnomAD v4.1: 464 of 1,612,878 alleles (0.029%); highest among the groups gnomAD compares: African/African-American, 0.46%; no homozygotes.

Submissions (2):

Ambry Genetics
Classification: Uncertain significance. Last evaluated: 2025-11-20. Review status: criteria provided, single submitter. Criteria: Ambry Variant Classification Scheme 2023. Collection method: clinical testing. Allele origin: germline.

PreventionGenetics, part of Exact Sciences
Classification: Benign for BRWD1-related condition. Last evaluated: 2019-03-05. Review status: no assertion criteria provided. Collection method: clinical testing. Allele origin: germline. Not counted in ClinVar's aggregate classification.
Comment: This variant is classified as benign based on ACMG/AMP sequence variant interpretation guidelines (Richards et al. 2015 PMID: 25741868, with internal and published modifications).